The following is an entry in ClinVar:

ClinVar aggregate classification (germline): Uncertain significance. Review status: criteria provided, multiple submitters, no conflicts (2 of 4 stars). 2 submissions from 2 submitters: Uncertain significance (2). Last evaluated 2026-06-18.

Allele frequency attached by ClinVar (database versions not stated): gnomAD exomes 0.00011; ExAC 0.00008; ESP Exome Variant Server 0.00008; gnomAD 0.00008.
gnomAD v4.1: 171 of 1,613,912 alleles (0.011%); highest among the groups gnomAD compares: Admixed American, 0.015%; no homozygotes.

Submissions (2):

Women's Health and Genetics/Laboratory Corporation of America, LabCorp
Classification: Uncertain significance. Last evaluated: 2026-06-18. Review status: criteria provided, single submitter. Criteria: LabCorp Variant Classification Summary - May 2015. Collection method: clinical testing. Allele origin: germline.
Comment: Variant summary: TNC c.5351G>A (p.Gly1784Asp) results in a non-conservative amino acid change in the encoded protein sequence. Algorithms developed to predict the effect of missense changes on protein structure and function are either unavailable or do not agree on the potential impact of this missense change. The variant allele was found at a frequency of 0.00011 in 251380 control chromosomes. This frequency is not significantly higher than estimated for disease-causing variants in TNC, allowing no conclusion about variant significance. To our knowledge, no occurrence of c.5351G>A in individuals affected with TNC-related conditions and no experimental evidence demonstrating its impact on protein function have been reported. ClinVar contains an entry for this variant (Variation ID: 2593215). Based on the evidence outlined above, the variant was classified as uncertain significance.

Ambry Genetics
Classification: Uncertain significance. Last evaluated: 2025-08-21. Review status: criteria provided, single submitter. Criteria: Ambry Variant Classification Scheme 2023. Collection method: clinical testing. Allele origin: germline.

NM_002160.4(TNC):c.5351G>A (p.Gly1784Asp)

Gene: TNC (tenascin C; minus strand). Cytogenetic location: 9q33.1.
Variant type: single nucleotide variant.
Coding change: c.5351G>A on transcript NM_002160.4 (MANE Select); coding-DNA position 5351, G replaced by A.
Protein change: p.Gly1784Asp; replaces glycine 1784 with aspartic acid.
Molecular consequence: missense variant.
Genome position (GRCh38, 1-based): chr9:115,040,982, C>T on the plus strand (G>A on the coding strand, the complement: TNC is on the minus strand). VCF-style: chr9-115040982-C-T. GRCh37 (hg19) VCF-style: chr9-117803261-C-T.
Other names: c.4805G>A, p.Gly1602Asp (NM_001410991.1); short protein forms G1602D, G1784D.
Identifiers: ClinVar variation 2593215 (VCV002593215.4), dbSNP rs142378274, ClinGen allele CA5207682.